The following is an entry in ClinVar:

NM_022437.3(ABCG8):c.239G>A (p.Cys80Tyr)

Gene: ABCG8 (ATP binding cassette subfamily G member 8; plus strand). Cytogenetic location: 2p21.
Variant type: single nucleotide variant.
Coding change: c.239G>A on transcript NM_022437.3 (MANE Select); coding-DNA position 239, G replaced by A.
Protein change: p.Cys80Tyr; replaces cysteine 80 with tyrosine.
Molecular consequence: missense variant.
Genome position (GRCh38, 1-based): chr2:43,846,228, G>A. VCF-style: chr2-43846228-G-A. GRCh37 (hg19) VCF-style: chr2-44073367-G-A.
Other names: p.Cys80Tyr; c.239G>A, p.Cys80Tyr (NM_001357321.2); short protein forms C80Y.
Identifiers: ClinVar variation 336066 (VCV000336066.23), dbSNP rs80025980, ClinGen allele CA1636946.

ClinVar aggregate classification (germline): Benign/Likely benign. Review status: criteria provided, multiple submitters, no conflicts (2 of 4 stars). 10 submissions from 10 submitters: Benign (6); Likely benign (2). 2 of the submissions do not count toward it. Last evaluated 2026-02-04.

Conditions:
Sitosterolemia 1. Identifiers: MedGen C2749759, MONDO:0020747, OMIM 210250.
Cardiovascular phenotype. Identifiers: MedGen CN230736.

Allele frequency attached by ClinVar (database versions not stated): gnomAD exomes 0.00205 and 0.00601; ExAC 0.00743; ESP Exome Variant Server 0.02299; gnomAD 0.02377 and 0.02513; TOPMed 0.02563; 1000 Genomes Project 0.02895; 1000 Genomes Project 30x 0.03170.
gnomAD v4.1: 6,791 of 1,614,124 alleles (0.42%); highest among the groups gnomAD compares: African/African-American, 7.9%; 244 homozygotes.

Submissions (10):

Labcorp Genetics (formerly Invitae), Labcorp
Classification: Benign. Last evaluated: 2026-02-04. Review status: criteria provided, single submitter. Criteria: Invitae Variant Classification Sherloc (09022015). Collection method: clinical testing. Allele origin: germline.

Blueprint Genetics
Classification: Likely benign. Last evaluated: 2024-11-25. Review status: criteria provided, single submitter. Criteria: ACMG Guidelines, 2015. Collection method: clinical testing. Allele origin: germline.

Women's Health and Genetics/Laboratory Corporation of America, LabCorp
Classification: Likely benign. Last evaluated: 2023-07-18. Review status: criteria provided, single submitter. Criteria: LabCorp Variant Classification Summary - May 2015. Collection method: clinical testing. Allele origin: germline.

Mayo Clinic Laboratories, Mayo Clinic
Classification: Benign. Last evaluated: 2023-07-09. Review status: criteria provided, single submitter. Criteria: ACMG Guidelines, 2015. Collection method: clinical testing. Allele origin: germline. Observed: 43 variant alleles.

Ambry Genetics
Classification: Benign for Cardiovascular phenotype. Last evaluated: 2019-05-03. Review status: criteria provided, single submitter. Criteria: Ambry Variant Classification Scheme 2023. Collection method: clinical testing. Allele origin: germline.

GeneDx
Classification: Benign. Last evaluated: 2018-07-14. Review status: criteria provided, single submitter. Criteria: GeneDx Variant Classification Process June 2021. Collection method: clinical testing. Allele origin: germline. Affected: yes.

Illumina Laboratory Services, Illumina
Classification: Benign for Sitosterolemia 1. Last evaluated: 2018-01-12. Review status: criteria provided, single submitter. Criteria: ICSL Variant Classification Criteria 13 December 2019. Collection method: clinical testing. Allele origin: germline.
Comment: This variant was observed in the ICSL laboratory as part of a predisposition screen in an ostensibly healthy population. It had not been previously curated by ICSL or reported in the Human Gene Mutation Database (HGMD: prior to June 1st, 2018), and was therefore a candidate for classification through an automated scoring system. Utilizing variant allele frequency, disease prevalence and penetrance estimates, and inheritance mode, an automated score was calculated to assess if this variant is too frequent to cause the disease. Based on the score and internal cut-off values, a variant classified as benign is not then subjected to further curation. The score for this variant resulted in a classification of benign for this disease.

Breakthrough Genomics
Classification: Benign. Review status: criteria provided, single submitter. Criteria: ACMG Guidelines, 2015. Collection method: not provided. Allele origin: germline. Inheritance: Autosomal recessive inheritance. Affected: yes.

Clinical Genetics, Academic Medical Center
Classification: Benign. Review status: no assertion criteria provided. Collection method: clinical testing. Allele origin: germline. Affected: yes. Study: VKGL Data-share Consensus. Not counted in ClinVar's aggregate classification.

Genome Diagnostics Laboratory, University Medical Center Utrecht
Classification: Benign. Review status: no assertion criteria provided. Collection method: clinical testing. Allele origin: germline. Affected: yes. Study: VKGL Data-share Consensus. Not counted in ClinVar's aggregate classification.